The following is an entry in ClinVar:

NM_005476.7(GNE):c.1633+1G>A

Gene: GNE (glucosamine (UDP-N-acetyl)-2-epimerase/N-acetylmannosamine kinase; minus strand). Cytogenetic location: 9p13.3.
Variant type: single nucleotide variant.
Coding change: c.1633+1G>A on transcript NM_005476.7 (MANE Select); the canonical splice donor site of the intron after coding-DNA position 1633, G replaced by A.
Molecular consequence: splice donor variant. On other transcripts: intron variant (1).
Genome position (GRCh38, 1-based): chr9:36,222,776, C>T on the plus strand (G>A on the coding strand, the complement: GNE is on the minus strand). VCF-style: chr9-36222776-C-T. GRCh37 (hg19) VCF-style: chr9-36222773-C-T.
Other names: c.1411+597G>A (NM_001190383.3); c.1456+1G>A (NM_001190388.2, NM_001374798.1); c.1726+1G>A (NM_001128227.3); c.1303+1G>A (NM_001190384.3); c.1480+1G>A (NM_001374797.1).
Identifiers: ClinVar variation 4814602 (VCV004814602.1).

ClinVar aggregate classification (germline): Likely pathogenic (1 of 4 stars; one submission).

Conditions:
GNE myopathy (NM). Also called: MYOPATHY, DISTAL, WITH OR WITHOUT RIMMED VACUOLES; IBM 2; Inclusion body myopathy autosomal recessive; Inclusion body myopathy quadriceps sparing; NONAKA DISTAL MYOPATHY; INCLUSION BODY MYOPATHY, HEREDITARY, AUTOSOMAL RECESSIVE. Identifiers: Orphanet 602, MedGen C1853926, MONDO:0011603, OMIM 605820.

Submission:

Natera, Inc.
Classification: Likely pathogenic for Nonaka myopathy. Last evaluated: 2025-06-23. Review status: criteria provided, single submitter. Criteria: Natera Variant Classification Schema (03/2026). Collection method: clinical testing. Allele origin: germline.
Comment: The c.1726+1G>A variant in GNE is a canonical splice donor site variant predicted to affect pre-mRNA splicing, which may result in an abnormal transcript and altered protein product. This variant is expected to result in nonsense mediated decay, truncation, or a dysfunctional protein product. This variant is rare in the general population with a frequency below the threshold expected for the associated phenotype(s). Given the available evidence, this variant is classified as Likely Pathogenic.